The following is an entry in ClinVar:

NM_000458.4(HNF1B):c.490A>G (p.Lys164Glu)

Gene: HNF1B (HNF1 homeobox B; minus strand). Cytogenetic location: 17q12.
Variant type: single nucleotide variant.
Coding change: c.490A>G on transcript NM_000458.4 (MANE Select); coding-DNA position 490, A replaced by G.
Protein change: p.Lys164Glu; replaces lysine 164 with glutamic acid.
Molecular consequence: missense variant.
Genome position (GRCh38, 1-based): chr17:37,739,494, T>C on the plus strand (A>G on the coding strand, the complement: HNF1B is on the minus strand). VCF-style: chr17-37739494-T-C. GRCh37 (hg19) VCF-style: chr17-36099485-T-C.
Other names: c.490A>G, p.Lys164Glu (NM_001165923.4, NM_001304286.2, NM_001411100.1); short protein forms K164E.
Identifiers: ClinVar variation 2844577 (VCV002844577.3), dbSNP rs2511828597, ClinGen allele CA398751259.

ClinVar aggregate classification (germline): Likely pathogenic (1 of 4 stars; one submission).

Submission:

Labcorp Genetics (formerly Invitae), Labcorp
Classification: Likely pathogenic. Last evaluated: 2023-05-28. Review status: criteria provided, single submitter. Criteria: Invitae Variant Classification Sherloc (09022015). Collection method: clinical testing. Allele origin: germline.
Comment: Advanced modeling of protein sequence and biophysical properties (such as structural, functional, and spatial information, amino acid conservation, physicochemical variation, residue mobility, and thermodynamic stability) performed at Invitae indicates that this missense variant is not expected to disrupt HNF1B protein function. In summary, the currently available evidence indicates that the variant is pathogenic, but additional data are needed to prove that conclusively. Therefore, this variant has been classified as Likely Pathogenic. This missense change has been observed in individual(s) with HNF1B-related conditions (Invitae). In at least one individual the variant was observed to be de novo. This variant is not present in population databases (gnomAD no frequency). This sequence change replaces lysine, which is basic and polar, with glutamic acid, which is acidic and polar, at codon 164 of the HNF1B protein (p.Lys164Glu).